The following is an entry in ClinVar:

NM_004064.5(CDKN1B):c.550G>A (p.Val184Met)

Gene: CDKN1B (cyclin dependent kinase inhibitor 1B; plus strand). Cytogenetic location: 12p13.1.
Variant type: single nucleotide variant.
Coding change: c.550G>A on transcript NM_004064.5 (MANE Select); coding-DNA position 550, G replaced by A.
Protein change: p.Val184Met; replaces valine 184 with methionine.
Molecular consequence: missense variant.
Genome position (GRCh38, 1-based): chr12:12,718,899, G>A. VCF-style: chr12-12718899-G-A. GRCh37 (hg19) VCF-style: chr12-12871833-G-A.
Other names: short protein forms V184M.
Identifiers: ClinVar variation 1748023 (VCV001748023.8), dbSNP rs2136357409, ClinGen allele CA383973076.
Genomic context (GRCh38, chr12:12,718,899, plus strand): 5'-AACAAAAGAGCCAACAGAACAGAAGAAAATGTTTCAGACGGTTCCCCAAATGCCGGTTCT[G>A]TGGAGCAGACGCCCAAGAAGCCTGGCCTCAGAAGACGTCAAACGTAAACAGCTCGGTGGG-3'
Protein context (NP_004055.1, residues 174-194): VSDGSPNAGS[Val184Met]EQTPKKPGLR

ClinVar aggregate classification (germline): Uncertain significance. Review status: criteria provided, multiple submitters, no conflicts (2 of 4 stars). 2 submissions from 2 submitters: Uncertain significance (2). Last evaluated 2025-07-31.

Conditions:
Multiple endocrine neoplasia type 4. Also called: MULTIPLE ENDOCRINE NEOPLASIA, TYPE IV. Identifiers: Orphanet 276152, MedGen C1970712, MONDO:0012552, OMIM 610755.
Hereditary cancer-predisposing syndrome. Also called: Neoplastic Syndromes, Hereditary; Tumor predisposition; Hereditary Cancer Syndrome; Hereditary neoplastic syndrome. Identifiers: Orphanet 140162, MedGen C0027672, MeSH D009386, MONDO:0015356.

Allele frequency attached by ClinVar (database versions not stated): gnomAD exomes below 0.00001.
gnomAD v4.1: 2 of 1,614,182 alleles (0.00012%); highest among the groups gnomAD compares: Non-Finnish European, 0.00017%; no homozygotes.

Submissions (2):

Labcorp Genetics (formerly Invitae), Labcorp
Classification: Uncertain significance for Multiple endocrine neoplasia type 4. Last evaluated: 2025-07-31. Review status: criteria provided, single submitter. Criteria: Invitae Variant Classification Sherloc (09022015). Collection method: clinical testing. Allele origin: germline.
Comment: This sequence change replaces valine, which is neutral and non-polar, with methionine, which is neutral and non-polar, at codon 184 of the CDKN1B protein (p.Val184Met). This variant is not present in population databases (gnomAD no frequency). This variant has not been reported in the literature in individuals affected with CDKN1B-related conditions. ClinVar contains an entry for this variant (Variation ID: 1748023). An algorithm developed to predict the effect of missense changes on protein structure and function (PolyPhen-2) suggests that this variant is likely to be disruptive. In summary, the available evidence is currently insufficient to determine the role of this variant in disease. Therefore, it has been classified as a Variant of Uncertain Significance.

Ambry Genetics
Classification: Uncertain significance for Hereditary cancer-predisposing syndrome. Last evaluated: 2024-12-30. Review status: criteria provided, single submitter. Criteria: Ambry Variant Classification Scheme 2023. Collection method: clinical testing. Allele origin: germline.
Comment: The p.V184M variant (also known as c.550G>A), located in coding exon 2 of the CDKN1B gene, results from a G to A substitution at nucleotide position 550. The valine at codon 184 is replaced by methionine, an amino acid with highly similar properties. This amino acid position is conserved. In addition, this alteration is predicted to be tolerated by in silico analysis. Since supporting evidence is limited at this time, the clinical significance of this alteration remains unclear.